The following is an entry in ClinVar:

NM_199242.3(UNC13D):c.1354G>A (p.Ala452Thr)

Gene: UNC13D (unc-13 homolog D; minus strand). Cytogenetic location: 17q25.1.
Variant type: single nucleotide variant.
Coding change: c.1354G>A on transcript NM_199242.3 (MANE Select); coding-DNA position 1354, G replaced by A.
Protein change: p.Ala452Thr; replaces alanine 452 with threonine.
Molecular consequence: missense variant.
Genome position (GRCh38, 1-based): chr17:75,836,374, C>T on the plus strand (G>A on the coding strand, the complement: UNC13D is on the minus strand). VCF-style: chr17-75836374-C-T. GRCh37 (hg19) VCF-style: chr17-73832455-C-T.
Other names: short protein forms A452T.
Identifiers: ClinVar variation 1964847 (VCV001964847.4), dbSNP rs748243525, ClinGen allele CA8773017.

ClinVar aggregate classification (germline): Uncertain significance (1 of 4 stars; one submission).

Conditions:
Familial hemophagocytic lymphohistiocytosis 3 (FHL3). Also called: UNC13D-Related Familial Hemophagocytic Lymphohistiocytosis (UNC13D-fHLH). Identifiers: Orphanet 540, MedGen C1837174, MONDO:0012146, OMIM 608898.

Allele frequency attached by ClinVar (database versions not stated): ExAC 0.00001.
gnomAD v4.1: 1 of 1,613,920 alleles (0.000062%); highest among the groups gnomAD compares: Non-Finnish European, 0.000085%; no homozygotes.

Submission:

Labcorp Genetics (formerly Invitae), Labcorp
Classification: Uncertain significance for Familial hemophagocytic lymphohistiocytosis 3. Last evaluated: 2024-10-21. Review status: criteria provided, single submitter. Criteria: Invitae Variant Classification Sherloc (09022015). Collection method: clinical testing. Allele origin: germline.
Comment: This sequence change replaces alanine, which is neutral and non-polar, with threonine, which is neutral and polar, at codon 452 of the UNC13D protein (p.Ala452Thr). This variant is present in population databases (rs748243525, gnomAD 0.007%). This variant has not been reported in the literature in individuals affected with UNC13D-related conditions. ClinVar contains an entry for this variant (Variation ID: 1964847). Invitae Evidence Modeling of protein sequence and biophysical properties (such as structural, functional, and spatial information, amino acid conservation, physicochemical variation, residue mobility, and thermodynamic stability) indicates that this missense variant is not expected to disrupt UNC13D protein function with a negative predictive value of 80%. In summary, the available evidence is currently insufficient to determine the role of this variant in disease. Therefore, it has been classified as a Variant of Uncertain Significance.